The following is an entry in ClinVar:

NM_000245.4(MET):c.4059C>T (p.Asn1353=)

Gene: MET (MET proto-oncogene, receptor tyrosine kinase; plus strand). Cytogenetic location: 7q31.2.
Variant type: single nucleotide variant.
Coding change: c.4059C>T on transcript NM_000245.4 (MANE Select); coding-DNA position 4059, C replaced by T.
Protein change: p.Asn1353=; no amino-acid change (asparagine 1353 retained).
Molecular consequence: synonymous variant.
Genome position (GRCh38, 1-based): chr7:116,796,010, C>T. VCF-style: chr7-116796010-C-T. GRCh37 (hg19) VCF-style: chr7-116436064-C-T.
Other names: c.4113C>T, p.Asn1371= (NM_001127500.3); c.2769C>T, p.Asn923= (NM_001324402.2).
Identifiers: ClinVar variation 750065 (VCV000750065.14), dbSNP rs45571634, ClinGen allele CA165451055.
Genomic context (GRCh38, chr7:116,796,010, plus strand): 5'-GGTGTCCCGGATATCAGCGATCTTCTCTACTTTCATTGGGGAGCACTATGTCCATGTGAA[C>T]GCTACTTATGTGAACGTAAAATGTGTCGCTCCGTATCCTTCTCTGTTGTCATCAGAAGAT-3'
Protein context (NP_000236.2, residues 1343-1363): TFIGEHYVHV[Asn1353=]ATYVNVKCVA

ClinVar aggregate classification (germline): Benign/Likely benign. Review status: criteria provided, multiple submitters, no conflicts (2 of 4 stars). 3 submissions from 3 submitters: Benign (1); Likely benign (2). Last evaluated 2026-01-20.

Conditions:
Renal cell carcinoma. Identifiers: Orphanet 217071, MedGen C0007134, MeSH D002292, MONDO:0005086, HP:0005584.
Hereditary cancer-predisposing syndrome. Also called: Tumor predisposition; Hereditary neoplastic syndrome; Neoplastic Syndromes, Hereditary; Hereditary Cancer Syndrome. Identifiers: Orphanet 140162, MedGen C0027672, MeSH D009386, MONDO:0015356.
Papillary renal cell carcinoma type 1 (RCCP1). Also called: RENAL CELL CARCINOMA, PAPILLARY, 1, SOMATIC; Renal adenocarcinoma; Renal cell carcinoma 1; Renal cell carcinoma, somatic. Identifiers: Orphanet 47044, MedGen C1336839, OMIM 605074, HP:0011797.

Allele frequency attached by ClinVar (database versions not stated): gnomAD exomes below 0.00001.
gnomAD v4.1: 2 of 1,613,948 alleles (0.00012%); highest among the groups gnomAD compares: East Asian, 0.0022%; no homozygotes.

Submissions (3):

Labcorp Genetics (formerly Invitae), Labcorp
Classification: Likely benign for Renal cell carcinoma. Last evaluated: 2026-01-20. Review status: criteria provided, single submitter. Criteria: Invitae Variant Classification Sherloc (09022015). Collection method: clinical testing. Allele origin: germline.

Myriad Genetics, Inc.
Classification: Benign for Papillary renal cell carcinoma type 1. Last evaluated: 2024-11-15. Review status: criteria provided, single submitter. Criteria: Myriad Autosomal Dominant, Autosomal Recessive and X-Linked Classification Criteria (2023). Collection method: clinical testing. Allele origin: unknown.
Comment: This variant is considered benign. This variant is a silent/synonymous amino acid change and it is not expected to impact splicing.

Ambry Genetics
Classification: Likely benign for Hereditary cancer-predisposing syndrome. Last evaluated: 2022-04-26. Review status: criteria provided, single submitter. Criteria: Ambry Variant Classification Scheme 2023. Collection method: clinical testing. Allele origin: germline.